The following is an entry in ClinVar:

NM_139276.3(STAT3):c.1397A>G (p.Asn466Ser)

Gene: STAT3 (signal transducer and activator of transcription 3; minus strand). Cytogenetic location: 17q21.2.
Variant type: single nucleotide variant.
Coding change: c.1397A>G on transcript NM_139276.3 (MANE Select); coding-DNA position 1397, A replaced by G.
Protein change: p.Asn466Ser; replaces asparagine 466 with serine.
Molecular consequence: missense variant.
Genome position (GRCh38, 1-based): chr17:42,325,030, T>C on the plus strand (A>G on the coding strand, the complement: STAT3 is on the minus strand). VCF-style: chr17-42325030-T-C. GRCh37 (hg19) VCF-style: chr17-40477048-T-C.
Other names: c.1397A>G, p.Asn466Ser (NM_001369512.1, NM_001369513.1, NM_001369514.1 and 11 more transcripts); c.1313A>G, p.Asn438Ser (NM_001384984.1); c.1319A>G, p.Asn440Ser (NM_001384985.1); c.1412A>G, p.Asn471Ser (NM_001384986.1, NM_001384990.1); c.1301A>G, p.Asn434Ser (NM_001384989.1); c.1337A>G, p.Asn446Ser (NM_001384992.1); short protein forms N466S, N434S, N438S, N440S, N446S, N471S.
Identifiers: ClinVar variation 418505 (VCV000418505.4), dbSNP rs1057521091, ClinGen allele CA16620413.

ClinVar aggregate classification (germline): Pathogenic. Review status: criteria provided, multiple submitters, no conflicts (2 of 4 stars). 3 submissions from 3 submitters: Pathogenic (3). Last evaluated 2025-09-24.

Conditions:
Hyper-IgE recurrent infection syndrome 1, autosomal dominant. Also called: STAT3 Hyper IgE Syndrome; HYPER-IgE SYNDROME 1, AUTOSOMAL DOMINANT, WITH RECURRENT INFECTIONS; Job's Syndrome; Hyper-IgE recurrent infection syndrome 1; JOB SYNDROME. Identifiers: Orphanet 2314, MedGen C2936739, MONDO:0007818, OMIM 147060.

Submissions (3):

Genesolutions, Medical Genetics Institutes, Ho Chi Minh City, Vietnam
Classification: Pathogenic for Hyper-IgE recurrent infection syndrome 1, autosomal dominant. Last evaluated: 2025-09-24. Review status: criteria provided, single submitter. Criteria: ACMG Guidelines, 2015. Collection method: clinical testing. Allele origin: germline. Affected: yes.

Women's Health and Genetics/Laboratory Corporation of America, LabCorp
Classification: Pathogenic for Hyper-IgE recurrent infection syndrome 1, autosomal dominant. Last evaluated: 2024-01-23. Review status: criteria provided, single submitter. Criteria: LabCorp Variant Classification Summary - May 2015. Collection method: clinical testing. Allele origin: germline.
Comment: Variant summary: STAT3 c.1397A>G (p.Asn466Ser) results in a conservative amino acid change in the encoded protein sequence. Three of five in-silico tools predict a benign effect of the variant on protein function. The variant was absent in 251256 control chromosomes (gnomAD v2.1). c.1397A>G has been reported in the literature in multiple individuals and families affected with Hyper IgE Syndrome (e.g. Woellner_2010, Garces_2012, Haynes_2014, Tengsujaritkul_2022, Carrabba_2023). These data indicate that the variant is very likely to be associated with disease. At least one publication reported experimental evidence evaluating an impact on protein function and found that the N466S variant had similar activity to the WT (allowing no convincing conclusions about the variant effect), however all other tested missense variants that affect the same amino acid (i.e. N466I/K/T/D) resulted in amorphic alleles with a dominant negative effect in this assay (Asano_2021). ClinVar contains an entry for this variant (Variation ID: 418505). Based on the evidence outlined above, the variant was classified as pathogenic.

GeneDx
Classification: Pathogenic. Last evaluated: 2017-03-17. Review status: criteria provided, single submitter. Criteria: GeneDx Variant Classification (06012015). Collection method: clinical testing. Allele origin: germline. Affected: yes.
Comment: The N466S variant has been published previously in association with Hyper-IgE syndrome (Woellner et al., 2010; Abolhassani et al., 2012; Haynes et al., 2014). The variant is not observed in large population cohorts (Lek et al., 2016; 1000 Genomes Consortium et al., 2015; Exome Variant Server). While N466S is a conservative amino acid substitution, which is not likely to impact secondary protein structure as these residues share similar properties, it occurs at a position within a linker domain that is conserved across species. The linker domain is important for STAT3 function, and variants in this region disrupt interactions between the SH2 and DNA-binding domains (Mertens et al., 2015). Additionally, in silico analysis predicts this variant is probably damaging to the protein structure/function. Missense variants in the same residue (N466D/T/K) and in nearby residues (S465A/F, Q469R/H, P471R) have been reported in the Human Gene Mutation Database in association with STAT3-related disorders (Stenson et al., 2014), supporting the functional importance of this region of the protein. In summary, we consider this variant to be pathogenic.

Literature cited by the submitters: PubMed 20159255 (cited by Women's Health and Genetics/Laboratory Corporation of America, LabCorp); PubMed 34137790 (cited by Women's Health and Genetics/Laboratory Corporation of America, LabCorp); PubMed 37081481 (cited by Women's Health and Genetics/Laboratory Corporation of America, LabCorp); PubMed 22533245 (cited by Women's Health and Genetics/Laboratory Corporation of America, LabCorp); PubMed 34796988 (cited by Women's Health and Genetics/Laboratory Corporation of America, LabCorp).